The following is an entry in ClinVar:

ClinVar aggregate classification (germline): Conflicting classifications of pathogenicity. Review status: criteria provided, conflicting classifications (1 of 4 stars). 3 submissions from 3 submitters: Uncertain significance (1); Likely benign (1). 1 of the submissions does not count toward it. Last evaluated 2025-06-10.

Conditions:
KANK1-related disorder. Also called: KANK1-related condition.

Allele frequency attached by ClinVar (database versions not stated): gnomAD exomes 0.00001; gnomAD 0.00003; TOPMed 0.00003; ExAC 0.00004; ESP Exome Variant Server 0.00008; 1000 Genomes Project 30x 0.00016; 1000 Genomes Project 0.00020.
gnomAD v4.1: 26 of 1,614,176 alleles (0.0016%); highest among the groups gnomAD compares: Middle Eastern, 0.016%; no homozygotes.

Submissions (3):

Ambry Genetics
Classification: Likely benign. Last evaluated: 2025-06-10. Review status: criteria provided, single submitter. Criteria: Ambry Variant Classification Scheme 2023. Collection method: clinical testing. Allele origin: germline.

Labcorp Genetics (formerly Invitae), Labcorp
Classification: Uncertain significance. Last evaluated: 2025-02-27. Review status: criteria provided, single submitter. Criteria: Invitae Variant Classification Sherloc (09022015). Collection method: clinical testing. Allele origin: germline.
Comment: This sequence change replaces tyrosine, which is neutral and polar, with cysteine, which is neutral and slightly polar, at codon 1139 of the KANK1 protein (p.Tyr1139Cys). This variant is present in population databases (rs371377616, gnomAD 0.01%). This variant has not been reported in the literature in individuals affected with KANK1-related conditions. ClinVar contains an entry for this variant (Variation ID: 1912463). Invitae Evidence Modeling of protein sequence and biophysical properties (such as structural, functional, and spatial information, amino acid conservation, physicochemical variation, residue mobility, and thermodynamic stability) indicates that this missense variant is expected to disrupt KANK1 protein function with a positive predictive value of 80%. In summary, the available evidence is currently insufficient to determine the role of this variant in disease. Therefore, it has been classified as a Variant of Uncertain Significance.

PreventionGenetics, part of Exact Sciences
Classification: Uncertain significance for KANK1-related condition. Last evaluated: 2023-12-05. Review status: no assertion criteria provided. Collection method: clinical testing. Allele origin: germline. Not counted in ClinVar's aggregate classification.
Comment: The KANK1 c.3416A>G variant is predicted to result in the amino acid substitution p.Tyr1139Cys. To our knowledge, this variant has not been reported in the literature. This variant is reported in 0.014% of alleles in individuals of Latino descent in gnomAD. At this time, the clinical significance of this variant is uncertain due to the absence of conclusive functional and genetic evidence.

NM_015158.5(KANK1):c.3416A>G (p.Tyr1139Cys)

Genes: KANK1 (KN motif and ankyrin repeat domains 1; plus strand), LOC126860554 (MED14-independent group 3 enhancer GRCh37_chr9:737889-739088; plus strand). Cytogenetic location: 9p24.3.
Variant type: single nucleotide variant.
Coding change: c.3416A>G on transcript NM_015158.5 (MANE Select); coding-DNA position 3416, A replaced by G.
Protein change: p.Tyr1139Cys; replaces tyrosine 1139 with cysteine.
Molecular consequence: missense variant. On other transcripts: non-coding transcript variant (1).
Genome position (GRCh38, 1-based): chr9:738,367, A>G. VCF-style: chr9-738367-A-G. GRCh37 (hg19) VCF-style: chr9-738367-A-G.
Other names: c.3416A>G, p.Tyr1139Cys (NM_001256876.3, NM_001256877.3, NM_001354334.2); c.3176A>G, p.Tyr1059Cys (NM_001354331.2); c.3362A>G, p.Tyr1121Cys (NM_001354332.2); c.2942A>G, p.Tyr981Cys (NM_001354333.2, NM_001354335.2, NM_001354337.2 and 2 more transcripts); c.2648A>G, p.Tyr883Cys (NM_001354336.2); c.2888A>G, p.Tyr963Cys (NM_001354338.2, NM_001354340.2, NM_001354344.2); c.2702A>G, p.Tyr901Cys (NM_001354339.2, NM_001354342.2, NM_001354343.2); c.3416A>G (NM_015158.3, NM_015158.2); short protein forms Y1139C, Y883C, Y963C, Y981C, Y1121C, Y901C, Y1059C.
Identifiers: ClinVar variation 1912463 (VCV001912463.8), dbSNP rs371377616, ClinGen allele CA4960949.